The following is an entry in ClinVar:

ClinVar aggregate classification (germline): Uncertain significance (1 of 4 stars; one submission).

gnomAD v4.1: 6 of 1,206,468 alleles (0.0005%); highest among the groups gnomAD compares: Non-Finnish European, 0.00034%; no homozygotes.

Submission:

Women's Health and Genetics/Laboratory Corporation of America, LabCorp
Classification: Uncertain significance. Last evaluated: 2024-05-15. Review status: criteria provided, single submitter. Criteria: LabCorp Variant Classification Summary - May 2015. Collection method: clinical testing. Allele origin: germline.
Comment: Variant summary: ARHGEF9 c.1066C>T (p.Arg356Trp) results in a non-conservative amino acid change located in the Pleckstrin homology domain (IPR001849) of the encoded protein sequence. Five of five in-silico tools predict a damaging effect of the variant on protein function. The variant allele was found at a frequency of 5e-06 in 1206468 control chromosomes, including 1 hemizygote (gnomAD database 4.0.0). The available data on variant occurrences in the general population are insufficient to allow any conclusion about variant significance. To our knowledge, no occurrence of c.1066C>T in individuals affected with Early Infantile Epileptic Encephalopathy 8 and no experimental evidence demonstrating its impact on protein function have been reported. No submitters have cited clinical-significance assessments for this variant to ClinVar. Based on the evidence outlined above, the variant was classified as uncertain significance.

NM_001353921.2(ARHGEF9):c.1087C>T (p.Arg363Trp)

Gene: ARHGEF9 (Cdc42 guanine nucleotide exchange factor 9; minus strand). Cytogenetic location: Xq11.1.
Variant type: single nucleotide variant.
Coding change: c.1087C>T on transcript NM_001353921.2 (MANE Select); coding-DNA position 1087, C replaced by T.
Protein change: p.Arg363Trp; replaces arginine 363 with tryptophan.
Molecular consequence: missense variant. On other transcripts: intron variant (2).
Genome position (GRCh38, 1-based): chrX:63,655,728, G>A on the plus strand (C>T on the coding strand, the complement: ARHGEF9 is on the minus strand). VCF-style: chrX-63655728-G-A. GRCh37 (hg19) VCF-style: chrX-62875608-G-A.
Other names: c.907C>T, p.Arg303Trp (NM_001173479.2); c.760C>T, p.Arg254Trp (NM_001173480.2, NM_001369042.1); c.1003C>T, p.Arg335Trp (NM_001330495.2, NM_001369033.1, NM_001369034.1 and 4 more transcripts); c.955C>T, p.Arg319Trp (NM_001353922.2); c.1105C>T, p.Arg369Trp (NM_001353923.1); c.886C>T, p.Arg296Trp (NM_001353924.2, NM_001353926.2, NM_001369039.1 and 1 more transcripts); c.871C>T, p.Arg291Trp (NM_001353927.2, NM_001369041.1); c.934C>T, p.Arg312Trp (NM_001353928.2); and 3 more; short protein forms R174W, R254W, R291W, R296W, R303W, R312W, R319W, R335W.
Identifiers: ClinVar variation 3336587 (VCV003336587.1).
Genomic context (GRCh38, chrX:63,655,728, plus strand): 5'-TGTCAACTACCTCATATTTATCCATGTCAATGCGGCCTTTGTAGTACAGGATGTCTCTCC[G>A]GATTAGGTCCTAGATGGGAAGGAAGAGGTTTCTTGAAGGTATGTGCACGGCGAGTACTAG-3'
Protein context (NP_001340850.1, residues 353-373): QMVLCKKDLI[Arg363Trp]RDILYYKGRI